The following is an entry in ClinVar:

NM_000441.2(SLC26A4):c.1225C>T (p.Arg409Cys)

Gene: SLC26A4 (solute carrier family 26 member 4; plus strand). Cytogenetic location: 7q22.3.
Variant type: single nucleotide variant.
Coding change: c.1225C>T on transcript NM_000441.2 (MANE Select); coding-DNA position 1225, C replaced by T.
Protein change: p.Arg409Cys; replaces arginine 409 with cysteine.
Molecular consequence: missense variant.
Genome position (GRCh38, 1-based): chr7:107,690,199, C>T. VCF-style: chr7-107690199-C-T. GRCh37 (hg19) VCF-style: chr7-107330644-C-T.
Other names: short protein forms R409C.
Identifiers: ClinVar variation 371421 (VCV000371421.26), dbSNP rs147952620, ClinGen allele CA4432722.

ClinVar aggregate classification (germline): Pathogenic/Likely pathogenic. Review status: criteria provided, multiple submitters, no conflicts (2 of 4 stars). 11 submissions from 10 submitters: Pathogenic (7); Likely pathogenic (2). 2 of the submissions do not count toward it. Last evaluated 2026-02-11.

Conditions:
Autosomal recessive nonsyndromic hearing loss 4 (DFNB4). Also called: DEAFNESS, AUTOSOMAL RECESSIVE 4, WITH ENLARGED VESTIBULAR AQUEDUCT, DIGENIC; Deafness, autosomal recessive 4; Deafness, autosomal recessive 4, with enlarged vestibular aqueduct; NEUROSENSORY NONSYNDROMIC RECESSIVE DEAFNESS 4; Nonsyndromic enlarged vestibular aqueduct (NSEVA); Enlarged vestibular aqueduct, digenic. Identifiers: Orphanet 90636, MedGen C3538946, MONDO:0010933, OMIM 600791.
SLC26A4-related disorder. Also called: SLC26A4-related condition; SLC26A4-related disorders.
Pendred syndrome (PDS). Also called: DEAFNESS WITH GOITER; Pendred's syndrome; Pendred Syndrome (PDS); GOITER-DEAFNESS SYNDROME; HYPOTHYROIDISM, CONGENITAL, DUE TO DYSHORMONOGENESIS, 2B; THYROID DYSHORMONOGENESIS 2B. Identifiers: Orphanet 705, MedGen C0271829, MONDO:0010134, OMIM 274600.

Allele frequency attached by ClinVar (database versions not stated): gnomAD exomes 0.00002 and 0.00001; 1000 Genomes Project 30x 0.00016; 1000 Genomes Project 0.00020; gnomAD 0.00001; ExAC 0.00002.
gnomAD v4.1: 15 of 1,612,506 alleles (0.00093%); highest among the groups gnomAD compares: African/African-American, 0.004%; no homozygotes.

Submissions (11):

GeneDx
Classification: Pathogenic. Last evaluated: 2026-02-11. Review status: criteria provided, single submitter. Criteria: GeneDx Variant Classification Process June 2021. Collection method: clinical testing. Allele origin: germline.
Comment: Published functional studies demonstrate reduced membrane expression and decreased transport activity of the proteins (PMID: 23185506); Not observed at significant frequency in large population cohorts (gnomAD); A different missense change at this residue (p.(R409H)) has been reported as pathogenic in the published literature (PMID: 16053392, 21961810, 24224479); In silico analysis supports that this missense variant has a deleterious effect on protein structure/function; This variant is associated with the following publications: (PMID: 19648736, 23918157, 27771369, 34680964, 23185506, 18167283, 26100058, 28941661, 31035178, 27247933, 29605365, 31387071, 31541171, 32425884, 31589614, 32645618, 38184688, 38474007, 28786104, 21961810, 16053392, 24224479)

Labcorp Genetics (formerly Invitae), Labcorp
Classification: Pathogenic. Last evaluated: 2026-01-25. Review status: criteria provided, single submitter. Criteria: Invitae Variant Classification Sherloc (09022015). Collection method: clinical testing. Allele origin: germline.
Comment: This sequence change replaces arginine, which is basic and polar, with cysteine, which is neutral and slightly polar, at codon 409 of the SLC26A4 protein (p.Arg409Cys). This variant is present in population databases (rs147952620, gnomAD 0.007%). This missense change has been observed in individuals with non-syndromic enlargement of vestibular aqueduct and hearing loss (PMID: 18167283, 23185506, 25372295). ClinVar contains an entry for this variant (Variation ID: 371421). Invitae Evidence Modeling of protein sequence and biophysical properties (such as structural, functional, and spatial information, amino acid conservation, physicochemical variation, residue mobility, and thermodynamic stability) indicates that this missense variant is expected to disrupt SLC26A4 protein function with a positive predictive value of 95%. Experimental studies have shown that this missense change affects SLC26A4 function (PMID: 23185506). This variant disrupts the p.Arg408 amino acid residue in SLC26A4. Other variant(s) that disrupt this residue have been determined to be pathogenic (PMID: 9618166, 19786220, 24224479). This suggests that this residue is clinically significant, and that variants that disrupt this residue are likely to be disease-causing. For these reasons, this variant has been classified as Pathogenic.

PreventionGenetics, part of Exact Sciences
Classification: Pathogenic for SLC26A4-related condition. Last evaluated: 2025-06-26. Review status: criteria provided, single submitter. Criteria: ACMG Guidelines, 2015. Collection method: clinical testing. Allele origin: germline.
Comment: The SLC26A4 c.1225C>T variant is predicted to result in the amino acid substitution p.Arg409Cys. This variant was reported in the homozygous state or with a second causative SLC26A4 variant in patients with nonsyndromic hearing loss or Pendred syndrome (Luo et al. 2017. PubMed ID: 28786104; Lenarduzzi et al. 2019. PubMed ID: 31387071; Liu et al. 2020. PubMed ID: 32645618). Functional in vitro experiments indicated this variant results in reduced expression and abnormal intracellular retention (Yuan et al. 2012. PubMed ID: 23185506). This variant is reported in 0.0062% of alleles in individuals of African descent in gnomAD. Of note, other missense variants affecting the same amino acid (p.Arg409His, p.Arg409Pro, p.Arg409Leu) have also been reported to be pathogenic for Pendred syndrome and autosomal recessive hearing loss with enlarged vestibular aqueducts (HGMD database; Chai et al. 2013. PubMed ID: 23918157). This variant is interpreted as pathogenic.

Natera, Inc.
Classification: Pathogenic for Pendred syndrome. Last evaluated: 2025-05-12. Review status: criteria provided, single submitter. Criteria: Natera Variant Classification Schema (03/2026). Collection method: clinical testing. Allele origin: germline.
Comment: The c.1225C>T variant in SLC26A4 is a missense variant predicted to cause substitution of arginine to cysteine at amino acid 409. This variant is rare in the general population with a frequency below the threshold expected for the associated phenotype(s). This variant has been observed in one or more individuals affected with the associated recessive disease, as either homozygous or compound heterozygous with a second variant (PMID: 34410491, 31387071, 23918157). Given the available evidence, this variant is classified as Pathogenic.

Fulgent Genetics
Classification: Pathogenic for Pendred syndrome; Autosomal recessive nonsyndromic hearing loss 4. Last evaluated: 2024-06-16. Review status: criteria provided, single submitter. Criteria: ACMG Guidelines, 2015. Collection method: clinical testing. Allele origin: germline.

Baylor Genetics
Classification: Pathogenic for Autosomal recessive nonsyndromic hearing loss 4. Last evaluated: 2023-08-08. Review status: criteria provided, single submitter. Criteria: ACMG Guidelines, 2015. Collection method: clinical testing. Allele origin: unknown.

Genome-Nilou Lab
Classification: Likely pathogenic for Autosomal recessive nonsyndromic hearing loss 4. Last evaluated: 2021-09-05. Review status: criteria provided, single submitter. Criteria: ACMG Guidelines, 2015. Collection method: clinical testing. Allele origin: germline. Affected: no.

Genome-Nilou Lab
Classification: Likely pathogenic for Pendred syndrome. Last evaluated: 2021-09-05. Review status: criteria provided, single submitter. Criteria: ACMG Guidelines, 2015. Collection method: clinical testing. Allele origin: germline. Affected: no.

Juno Genomics, Hangzhou Juno Genomics, Inc
Classification: Pathogenic for Autosomal recessive nonsyndromic hearing loss 4; Pendred syndrome. Review status: criteria provided, single submitter. Criteria: ACMG Guidelines, 2015. Collection method: clinical testing. Allele origin: germline. Affected: yes.
Comment: Multiple lines of computational evidence support a deleterious effect on the gene or gene product.;Novel missense change at an amino acid residue where a different missense change determined to be pathogenic has been seen before.;For recessive disorders, detected in trans with a pathogenic variant.;Patient's phenotype or family history is highly specific for a disease with a single genetic etiology.

Genetic Testing Center for Deafness, Department of Otolaryngology Head & Neck Surgery, Institute of Otolaryngology, Chinese PLA General Hospital
Classification: Likely pathogenic for Autosomal recessive nonsyndromic hearing loss 4. Last evaluated: 2019-02-26. Review status: no assertion criteria provided. Collection method: case-control. Allele origin: inherited. Affected: yes. Observed: 1 variant allele. Not counted in ClinVar's aggregate classification.

Counsyl
Classification: Likely pathogenic for Pendred syndrome. Last evaluated: 2016-09-22. Review status: no assertion criteria provided. Collection method: clinical testing. Allele origin: unknown. Not counted in ClinVar's aggregate classification.

Literature cited by the submitters: PubMed 18167283 (cited by Labcorp Genetics (formerly Invitae), Labcorp); PubMed 23185506 (cited by Labcorp Genetics (formerly Invitae), Labcorp and Counsyl); PubMed 25372295 (cited by Labcorp Genetics (formerly Invitae), Labcorp and Counsyl); PubMed 9618166 (cited by Labcorp Genetics (formerly Invitae), Labcorp); PubMed 19786220 (cited by Labcorp Genetics (formerly Invitae), Labcorp); PubMed 24224479 (cited by Labcorp Genetics (formerly Invitae), Labcorp); PubMed 34410491 (cited by Natera, Inc.); PubMed 31387071 (cited by Natera, Inc.); PubMed 23918157 (cited by Natera, Inc. and Counsyl); PubMed 19648736 (cited by Counsyl); PubMed 21961810 (cited by Counsyl).